The following is an entry in ClinVar:

NM_000226.4(KRT9):c.1560C>T (p.Tyr520=)

Gene: KRT9 (keratin 9; minus strand). Cytogenetic location: 17q21.2.
Variant type: single nucleotide variant.
Coding change: c.1560C>T on transcript NM_000226.4 (MANE Select); coding-DNA position 1560, C replaced by T.
Protein change: p.Tyr520=; no amino-acid change (tyrosine 520 retained).
Molecular consequence: synonymous variant.
Genome position (GRCh38, 1-based): chr17:41,567,585, G>A on the plus strand (C>T on the coding strand, the complement: KRT9 is on the minus strand). VCF-style: chr17-41567585-G-A. GRCh37 (hg19) VCF-style: chr17-39723837-G-A.
Identifiers: ClinVar variation 323117 (VCV000323117.15), dbSNP rs116616468, ClinGen allele CA8561907.
Genomic context (GRCh38, chr17:41,567,585, plus strand): 5'-ACCTCCACTTCCTCCACCATAGCCACCTCCACTACCTCCTCCAGAACCACTTCCTCCACC[G>A]TAGCTGCCTCCACTTCCTCCCCTGGACCCACTTCCTCCACCATAGCCACCTCCACTTCCT-3'
Protein context (NP_000217.2, residues 510-530): SGSRGGSGGS[Tyr520=]GGGSGSGGGS

ClinVar aggregate classification (germline): Conflicting classifications of pathogenicity. Review status: criteria provided, conflicting classifications (1 of 4 stars). 4 submissions from 4 submitters: Uncertain significance (1); Benign (1); Likely benign (1). 1 of the submissions does not count toward it. Last evaluated 2025-08-24.

Conditions:
KRT9-related disorder. Also called: KRT9-related condition.
Palmoplantar keratoderma, epidermolytic. Also called: Localized epidermolytic hyperkeratosis. Identifiers: MedGen C1721006, MONDO:0968949, HP:0007559.

Allele frequency attached by ClinVar (database versions not stated): 1000 Genomes Project 30x 0.00109; ESP Exome Variant Server 0.00124; gnomAD exomes 0.00160 and 0.00163; gnomAD 0.00162 and 0.00178; 1000 Genomes Project 0.00459.

Submissions (4):

Labcorp Genetics (formerly Invitae), Labcorp
Classification: Benign. Last evaluated: 2025-08-24. Review status: criteria provided, single submitter. Criteria: Invitae Variant Classification Sherloc (09022015). Collection method: clinical testing. Allele origin: germline.

Blueprint Genetics
Classification: Likely benign. Last evaluated: 2024-11-06. Review status: criteria provided, single submitter. Criteria: ACMG Guidelines, 2015. Collection method: clinical testing. Allele origin: germline.

Illumina Laboratory Services, Illumina
Classification: Uncertain significance for Epidermolytic palmoplantar keratoderma, 1. Last evaluated: 2018-01-13. Review status: criteria provided, single submitter. Criteria: ICSL Variant Classification Criteria 13 December 2019. Collection method: clinical testing. Allele origin: germline.

PreventionGenetics, part of Exact Sciences
Classification: Likely benign for KRT9-related condition. Last evaluated: 2024-07-18. Review status: no assertion criteria provided. Collection method: clinical testing. Allele origin: germline. Not counted in ClinVar's aggregate classification.
Comment: This variant is classified as likely benign based on ACMG/AMP sequence variant interpretation guidelines (Richards et al. 2015 PMID: 25741868, with internal and published modifications).